The following is an entry in ClinVar:

NM_182931.3(KMT2E):c.964A>G (p.Asn322Asp)

Gene: KMT2E (lysine methyltransferase 2E (inactive); plus strand). Cytogenetic location: 7q22.3.
Variant type: single nucleotide variant.
Coding change: c.964A>G on transcript NM_182931.3 (MANE Select); coding-DNA position 964, A replaced by G.
Protein change: p.Asn322Asp; replaces asparagine 322 with aspartic acid.
Molecular consequence: missense variant.
Genome position (GRCh38, 1-based): chr7:105,077,158, A>G. VCF-style: chr7-105077158-A-G. GRCh37 (hg19) VCF-style: chr7-104717605-A-G.
Other names: c.964A>G, p.Asn322Asp (NM_001410908.1, NM_018682.4); short protein forms N322D.
Identifiers: ClinVar variation 5040442 (VCV005040442.1).

ClinVar aggregate classification (germline): Uncertain significance (1 of 4 stars; one submission).

Submission:

CeGaT Center for Human Genetics Tuebingen
Classification: Uncertain significance. Last evaluated: 2026-08-01. Review status: criteria provided, single submitter. Criteria: CeGaT Center For Human Genetics Tuebingen Variant Classification Criteria Version 2. Collection method: clinical testing. Allele origin: germline. Affected: yes. Observed: 1 variant allele.
Comment: KMT2E: PM2